The following is an entry in ClinVar:

NM_002778.4(PSAP):c.855C>T (p.Ala285=)

Gene: PSAP (prosaposin; minus strand). Cytogenetic location: 10q22.1.
Variant type: single nucleotide variant.
Coding change: c.855C>T on transcript NM_002778.4 (MANE Select); coding-DNA position 855, C replaced by T.
Protein change: p.Ala285=; no amino-acid change (alanine 285 retained).
Molecular consequence: synonymous variant.
Genome position (GRCh38, 1-based): chr10:71,821,930, G>A on the plus strand (C>T on the coding strand, the complement: PSAP is on the minus strand). VCF-style: chr10-71821930-G-A. GRCh37 (hg19) VCF-style: chr10-73581687-G-A.
Other names: p.Ala285=; c.864C>T, p.Ala288= (NM_001042465.3); c.861C>T, p.Ala287= (NM_001042466.3).
Identifiers: ClinVar variation 746723 (VCV000746723.13), dbSNP rs1040901231, ClinGen allele CA209457471.

ClinVar aggregate classification (germline): Likely benign. Review status: criteria provided, multiple submitters, no conflicts (2 of 4 stars). 3 submissions from 3 submitters: Likely benign (2). 1 of the submissions does not count toward it. Last evaluated 2025-07-06.

Conditions:
Sphingolipid activator protein 1 deficiency. Also called: METACHROMATIC LEUKODYSTROPHY DUE TO CEREBROSIDE SULFATASE ACTIVATOR DEFICIENCY; Saposin B Deficiency; Metachromatic leukodystrophy due to saposin B deficiency. Identifiers: Orphanet 512, MedGen C0268262, MONDO:0009590, OMIM 249900.
Metachromatic leukodystrophy (MLD). Also called: ARSA DEFICIENCY; Cerebral sclerosis diffuse metachromatic form; CEREBROSIDE SULFATASE DEFICIENCY; METACHROMATIC LEUKOENCEPHALOPATHY; SULFATIDE LIPIDOSIS; Arylsulfatase A Deficiency. Identifiers: Orphanet 512, MedGen C0023522, MONDO:0018868, OMIM 250100.

Allele frequency attached by ClinVar (database versions not stated): gnomAD 0.00009 and 0.00011; TOPMed 0.00010.
gnomAD v4.1: 25 of 1,614,098 alleles (0.0015%); highest among the groups gnomAD compares: African/African-American, 0.032%; no homozygotes.

Submissions (3):

Labcorp Genetics (formerly Invitae), Labcorp
Classification: Likely benign for Sphingolipid activator protein 1 deficiency. Last evaluated: 2025-07-06. Review status: criteria provided, single submitter. Criteria: Invitae Variant Classification Sherloc (09022015). Collection method: clinical testing. Allele origin: germline.

Mayo Clinic Laboratories, Mayo Clinic
Classification: Likely benign. Last evaluated: 2024-09-30. Review status: criteria provided, single submitter. Criteria: ACMG Guidelines, 2015. Collection method: clinical testing. Allele origin: germline. Observed: 1 variant allele.
Comment: BP4, BP7

Natera, Inc.
Classification: Uncertain significance for Metachromatic leukodystrophy. Last evaluated: 2020-08-14. Review status: no assertion criteria provided. Collection method: clinical testing. Allele origin: germline. Not counted in ClinVar's aggregate classification.